The following is an entry in ClinVar:

ClinVar aggregate classification (germline): Uncertain significance (1 of 4 stars; one submission).

Submission:

Women's Health and Genetics/Laboratory Corporation of America, LabCorp
Classification: Uncertain significance. Last evaluated: 2026-03-23. Review status: criteria provided, single submitter. Criteria: LabCorp Variant Classification Summary - May 2015. Collection method: clinical testing. Allele origin: germline.
Comment: Variant summary: ACTA2 c.343A>C (p.Lys115Gln) results in a conservative amino acid change in the encoded protein sequence. Algorithms developed to predict the effect of missense changes on protein structure and function are either unavailable or do not agree on the potential impact of this missense change. The variant was absent in 251034 control chromosomes. The available data on variant occurrences in the general population are insufficient to allow any conclusion about variant significance. To our knowledge, no occurrence of c.343A>C in individuals affected with ACTA2-related conditions and no experimental evidence demonstrating its impact on protein function have been reported. No submitters have cited clinical-significance assessments for this variant to ClinVar. Based on the evidence outlined above, the variant was classified as uncertain significance.

NM_001613.4(ACTA2):c.343A>C (p.Lys115Gln)

Gene: ACTA2 (actin alpha 2, smooth muscle; minus strand). Cytogenetic location: 10q23.31.
Variant type: single nucleotide variant.
Coding change: c.343A>C on transcript NM_001613.4 (MANE Select); coding-DNA position 343, A replaced by C.
Protein change: p.Lys115Gln; replaces lysine 115 with glutamine.
Molecular consequence: missense variant. On other transcripts: intron variant (1).
Genome position (GRCh38, 1-based): chr10:88,943,823, T>G on the plus strand (A>C on the coding strand, the complement: ACTA2 is on the minus strand). VCF-style: chr10-88943823-T-G. GRCh37 (hg19) VCF-style: chr10-90703580-T-G.
Other names: c.343A>C, p.Lys115Gln (NM_001141945.3, NM_001320855.2, NM_001406462.1 and 3 more transcripts); c.214A>C, p.Lys72Gln (NM_001406467.1, NM_001406468.1, NM_001406469.1); c.259-1954A>C (NM_001406466.1); short protein forms K115Q, K72Q.
Identifiers: ClinVar variation 4847771 (VCV004847771.1).